The following is an entry in ClinVar:

NM_001370259.2(MEN1):c.134A>G (p.Glu45Gly)

Gene: MEN1 (menin 1; minus strand). Cytogenetic location: 11q13.1.
Variant type: single nucleotide variant.
Coding change: c.134A>G on transcript NM_001370259.2 (MANE Select); coding-DNA position 134, A replaced by G.
Protein change: p.Glu45Gly; replaces glutamic acid 45 with glycine.
Molecular consequence: missense variant.
Genome position (GRCh38, 1-based): chr11:64,809,976, T>C on the plus strand (A>G on the coding strand, the complement: MEN1 is on the minus strand). VCF-style: chr11-64809976-T-C. GRCh37 (hg19) VCF-style: chr11-64577448-T-C.
Other names: c.134A>G, p.Glu45Gly (NM_000244.4, NM_001370251.2, NM_001370260.2 and 9 more transcripts); short protein forms E45G.
Identifiers: ClinVar variation 643100 (VCV000643100.11), dbSNP rs1592660101, ClinGen allele CA381187854.

ClinVar aggregate classification (germline): Pathogenic. Review status: criteria provided, multiple submitters, no conflicts (2 of 4 stars). 2 submissions from 2 submitters: Pathogenic (2). Last evaluated 2024-10-04.

Conditions:
Hereditary cancer-predisposing syndrome. Also called: Neoplastic Syndromes, Hereditary; Hereditary Cancer Syndrome; Hereditary neoplastic syndrome; Tumor predisposition. Identifiers: Orphanet 140162, MedGen C0027672, MeSH D009386, MONDO:0015356.
Multiple endocrine neoplasia, type 1 (MEN1). Also called: MEA I; MEN I; WERMER SYNDROME; Endocrine adenomatosis multiple; MEN 1. Identifiers: Orphanet 652, MedGen C0025267, MeSH D018761, MONDO:0007540, OMIM 131100.

Submissions (2):

Ambry Genetics
Classification: Pathogenic for Hereditary cancer-predisposing syndrome. Last evaluated: 2024-10-04. Review status: criteria provided, single submitter. Criteria: Ambry Variant Classification Scheme 2023. Collection method: clinical testing. Allele origin: germline.
Comment: The p.E45G pathogenic mutation (also known as c.134A>G), located in coding exon 1 of the MEN1 gene, results from an A to G substitution at nucleotide position 134. The glutamic acid at codon 45 is replaced by glycine, an amino acid with similar properties. This variant has been observed in multiple individuals with a personal and/or family history that is consistent with MEN1-associated disease (Ambry internal data; Miyauchi A et al. Endocr J, 1998 Dec;45:753-9; Starker LF et al. Horm Cancer, 2012 Apr;3:44-51; Nishiuchi T et al. Endocrine, 2009 Aug;36:20-4). Two other variants at the same codon, p.E45K (c.133G>A) and p.E45D (c.135G>C), have been reported in multiple patients with a personal and/or family history that is consistent with MEN1-associated disease (Farnebo F et al. J. Clin. Endocrinol. Metab. 1998 Aug;83:2627-30; Morelli A et al. Eur. J. Endocrinol., 2000 Feb;142:131-7; Arancha C et al. J. Hum. Genet., 2002;47:190-5; Tham E et al. J. Clin. Endocrinol. Metab., 2007 Sep;92:3389-95; Kihara M et al. Endocr. J. 2009 May;56:649-56). This amino acid position is well conserved in available vertebrate species. In addition, this alteration is predicted to be deleterious by in silico analysis. This variant is considered to be rare based on population cohorts in the Genome Aggregation Database (gnomAD). Based on the supporting evidence, this variant is interpreted as a disease-causing mutation.

Labcorp Genetics (formerly Invitae), Labcorp
Classification: Pathogenic for Multiple endocrine neoplasia, type 1. Last evaluated: 2019-01-13. Review status: criteria provided, single submitter. Criteria: Invitae Variant Classification Sherloc (09022015). Collection method: clinical testing. Allele origin: germline.
Comment: For these reasons, this variant has been classified as Pathogenic. This variant disrupts the p.Glu45 amino acid residue in MEN1. Other variant(s) that disrupt this residue have been observed in individuals with MEN1-related conditions (PMID: 21266030, 12746426, 12166655, 29239255, Invitae), suggesting that it is a clinically significant residue. As a result, variants that disrupt this residue are likely to be causative of disease. Algorithms developed to predict the effect of missense changes on protein structure and function are either unavailable or do not agree on the potential impact of this missense change (SIFT: "Deleterious"; PolyPhen-2: "Probably Damaging"; Align-GVGD: "Class C0"). This variant has been observed to segregate with disease in a family affected with multiple endocrine neoplasia 1 (MEN1) (PMID: 9832038, 10395230). In addition, this variant has been observed in multiple unrelated individuals affected with MEN1 or hyperparathyroidism (PMID: 9832038, 11216636, 29036195, 19350420, 22187299, 19461164). This variant is not present in population databases (ExAC no frequency). This sequence change replaces glutamic acid with glycine at codon 45 of the MEN1 protein (p.Glu45Gly). The glutamic acid residue is highly conserved and there is a moderate physicochemical difference between glutamic acid and glycine.

Literature cited by the submitters: PubMed 10395230 (cited by Ambry Genetics and Labcorp Genetics (formerly Invitae), Labcorp); PubMed 19350420 (cited by Ambry Genetics and Labcorp Genetics (formerly Invitae), Labcorp); PubMed 22187299 (cited by Ambry Genetics and Labcorp Genetics (formerly Invitae), Labcorp); PubMed 21266030 (cited by Labcorp Genetics (formerly Invitae), Labcorp); PubMed 12746426 (cited by Labcorp Genetics (formerly Invitae), Labcorp); PubMed 12166655 (cited by Labcorp Genetics (formerly Invitae), Labcorp); PubMed 29239255 (cited by Labcorp Genetics (formerly Invitae), Labcorp); PubMed 9832038 (cited by Labcorp Genetics (formerly Invitae), Labcorp); PubMed 11216636 (cited by Labcorp Genetics (formerly Invitae), Labcorp); PubMed 29036195 (cited by Labcorp Genetics (formerly Invitae), Labcorp); PubMed 19461164 (cited by Labcorp Genetics (formerly Invitae), Labcorp).